The following is an entry in ClinVar:

NM_001018005.2(TPM1):c.564-9A>G

Gene: TPM1 (tropomyosin 1; plus strand). Cytogenetic location: 15q22.2.
Variant type: single nucleotide variant.
Coding change: c.564-9A>G on transcript NM_001018005.2 (MANE Select); 9 bases into the intron before coding-DNA position 564, A replaced by G.
Molecular consequence: intron variant.
Genome position (GRCh38, 1-based): chr15:63,061,704, A>G. VCF-style: chr15-63061704-A-G. GRCh37 (hg19) VCF-style: chr15-63353903-A-G.
Other names: c.690-9A>G (NM_001365778.1); c.639+431A>G (NM_001018020.2, NM_001018006.2, NM_000366.6); c.564-9A>G (NM_001018007.2, NM_001365776.1, NM_001018004.2 and 3 more transcripts); c.531+431A>G (NM_001330351.2, NM_001330344.2, NM_001365781.2); c.456-9A>G (NM_001018008.2, NM_001301289.2, NM_001365782.1 and 2 more transcripts).
Identifiers: ClinVar variation 926002 (VCV000926002.15), dbSNP rs755689022, ClinGen allele CA030862.

ClinVar aggregate classification (germline): Conflicting classifications of pathogenicity. Review status: criteria provided, conflicting classifications (1 of 4 stars). 4 submissions from 4 submitters: Uncertain significance (3); Likely benign (1). Last evaluated 2023-06-27.

Conditions:
Cardiomyopathy (CMYO). Also called: Cardiomyopathies. Identifiers: Orphanet 167848, MedGen C0878544, MONDO:0004994, HP:0001638. Inheritance: Various modes of inheritance.
Hypertrophic cardiomyopathy. Also called: HYPERTROPHIC MYOCARDIOPATHY. Identifiers: Orphanet 217569, MedGen C0007194, MeSH D002312, MONDO:0005045, HP:0001639.

Allele frequency attached by ClinVar (database versions not stated): gnomAD exomes below 0.00001 and 0.00001; ExAC 0.00001; gnomAD 0.00001; TOPMed 0.00001.
gnomAD v4.1: 4 of 1,613,872 alleles (0.00025%); highest among the groups gnomAD compares: African/African-American, 0.0013%; no homozygotes.

Submissions (4):

Labcorp Genetics (formerly Invitae), Labcorp
Classification: Uncertain significance for Hypertrophic cardiomyopathy. Last evaluated: 2023-06-27. Review status: criteria provided, single submitter. Criteria: Invitae Variant Classification Sherloc (09022015). Collection method: clinical testing. Allele origin: germline.
Comment: This sequence change falls in intron 5 of the TPM1 gene. It does not directly change the encoded amino acid sequence of the TPM1 protein. This variant is present in population databases (rs755689022, gnomAD 0.0009%). This variant has not been reported in the literature in individuals affected with TPM1-related conditions. ClinVar contains an entry for this variant (Variation ID: 926002). Algorithms developed to predict the effect of sequence changes on RNA splicing suggest that this variant may create or strengthen a splice site. In summary, the available evidence is currently insufficient to determine the role of this variant in disease. Therefore, it has been classified as a Variant of Uncertain Significance.

All of Us Research Program, National Institutes of Health
Classification: Uncertain significance for Hypertrophic cardiomyopathy. Last evaluated: 2023-04-03. Review status: criteria provided, single submitter. Criteria: ACMG Guidelines, 2015. Collection method: clinical testing. Allele origin: germline. Inheritance: Autosomal dominant inheritance. Observed: 1 variant allele, 1 heterozygote.
Comment: This variant causes an A>G nucleotide substitution at the -9 position of intron 5 of the TPM1 gene. Splice site prediction tools and conservation analysis are inconclusive regarding the impact of this variant on RNA splicing. To our knowledge, functional studies have not been reported for this variant. This variant has not been reported in individuals affected with cardiovascular disorders in the literature. This variant has been identified in 1/251368 chromosomes in the general population by the Genome Aggregation Database (gnomAD). The available evidence is insufficient to determine the role of this variant in disease conclusively. Therefore, this variant is classified as a Variant of Uncertain Significance.

This study involves interpretation of variants in research participants for the purpose of population health screening. Participant phenotype was not available at the time of variant classification. Additional details can be found in publication PMID: 35346344, PMCID: PMC8962531

Color Diagnostics, LLC DBA Color Health
Classification: Uncertain significance for Cardiomyopathy. Last evaluated: 2023-02-28. Review status: criteria provided, single submitter. Criteria: ACMG Guidelines, 2015. Collection method: clinical testing. Allele origin: germline.
Comment: This variant causes an A>G nucleotide substitution at the -9 position of intron 5 of the TPM1 gene. Splice site prediction tools and conservation analysis are inconclusive regarding the impact of this variant on RNA splicing. To our knowledge, functional studies have not been reported for this variant. This variant has not been reported in individuals affected with cardiovascular disorders in the literature. This variant has been identified in 1/251368 chromosomes in the general population by the Genome Aggregation Database (gnomAD). The available evidence is insufficient to determine the role of this variant in disease conclusively. Therefore, this variant is classified as a Variant of Uncertain Significance.

Blueprint Genetics
Classification: Likely benign. Last evaluated: 2020-04-08. Review status: criteria provided, single submitter. Criteria: ACMG Guidelines, 2015. Collection method: clinical testing. Allele origin: germline.